The following is an entry in ClinVar:

ClinVar aggregate classification (germline): Uncertain significance (1 of 4 stars; one submission).

Allele frequency attached by ClinVar (database versions not stated): gnomAD 0.00001.
gnomAD v4.1: 1 of 1,614,112 alleles (0.000062%); highest among the groups gnomAD compares: Non-Finnish European, 0.000085%; no homozygotes.

Submission:

GeneDx
Classification: Uncertain significance. Last evaluated: 2023-05-01. Review status: criteria provided, single submitter. Criteria: GeneDx Variant Classification Process June 2021. Collection method: clinical testing. Allele origin: germline. Affected: yes.
Comment: Not observed at significant frequency in large population cohorts (gnomAD); In silico analysis supports that this missense variant has a deleterious effect on protein structure/function; Has not been previously published as pathogenic or benign to our knowledge

NM_001128840.3(CACNA1D):c.1633T>G (p.Tyr545Asp)

Gene: CACNA1D (calcium voltage-gated channel subunit alpha1 D; plus strand). Cytogenetic location: 3p21.1.
Variant type: single nucleotide variant.
Coding change: c.1633T>G on transcript NM_001128840.3 (MANE Select); coding-DNA position 1633, T replaced by G.
Protein change: p.Tyr545Asp; replaces tyrosine 545 with aspartic acid.
Molecular consequence: missense variant.
Genome position (GRCh38, 1-based): chr3:53,722,441, T>G. VCF-style: chr3-53722441-T-G. GRCh37 (hg19) VCF-style: chr3-53756468-T-G.
Other names: c.1693T>G, p.Tyr565Asp (NM_000720.4); c.1633T>G, p.Tyr545Asp (NM_001128839.3); short protein forms Y545D, Y565D.
Identifiers: ClinVar variation 1307133 (VCV001307133.3), dbSNP rs2094891960, ClinGen allele CA353236580.
Genomic context (GRCh38, chr3:53,722,441, plus strand): 5'-TTTTACTGGCTGGTTATCGTCCTGGTGTTTCTGAACACCTTAACCATTTCCTCTGAGCAC[T>G]ACAATCAGCCAGATTGGTTGACACAGATTCAAGGTACAAGCAGAGGCCATTCCTTTTTTG-3'
Protein context (NP_001122312.1, residues 535-555): LNTLTISSEH[Tyr545Asp]NQPDWLTQIQ